The following is an entry in ClinVar:

NM_000255.4(MMUT):c.2193dup (p.Ala732fs)

Gene: MMUT (methylmalonyl-CoA mutase; minus strand). Cytogenetic location: 6p12.3.
Variant type: Duplication.
Coding change: c.2193dup on transcript NM_000255.4 (MANE Select); coding-DNA position 2193, one base duplicated (T; older notation c.2193dupT).
Protein change: p.Ala732fs; shifts the reading frame from alanine 732.
Molecular consequence: frameshift variant.
Genome position (GRCh38, 1-based): chr6:49,431,788, A duplicated on the plus strand (T on the coding strand, the reverse complement: MMUT is on the minus strand). VCF-style (leftmost placement, unchanged base first): chr6-49431787-C-CA. GRCh37 (hg19) VCF-style: chr6-49399500-C-CA.
Other names: short protein forms A732fs.
Identifiers: ClinVar variation 2908166 (VCV002908166.3), dbSNP rs1554157973, ClinGen allele CA3846625.
Genomic context (GRCh38, chr6:49,431,787, plus strand): 5'-ATTATACAGATTGCTGCTTCTTTTCCAAACACTTCTCAATATCATCAAGCACCTGAACGG[C>CA]AGCCTTTGGAATTCGAGTCCCAGGACCAAATACATTGGAAACACCAACTTCAAACAGAAA-3'

ClinVar aggregate classification (germline): Pathogenic (1 of 4 stars; one submission).

Allele frequency attached by ClinVar (database versions not stated): gnomAD 0.00001; gnomAD exomes 0.00001; TOPMed 0.00001; ExAC 0.00002.

Submission:

Labcorp Genetics (formerly Invitae), Labcorp
Classification: Pathogenic. Last evaluated: 2024-01-10. Review status: criteria provided, single submitter. Criteria: Invitae Variant Classification Sherloc (09022015). Collection method: clinical testing. Allele origin: germline.
Comment: This sequence change creates a premature translational stop signal (p.Ala732Cysfs*6) in the MUT gene. While this is not anticipated to result in nonsense mediated decay, it is expected to disrupt the last 19 amino acid(s) of the MUT protein. This variant is present in population databases (rs747331003, gnomAD 0.003%). This premature translational stop signal has been observed in individual(s) with methylmalonic acidemia (PMID: 10923046, 16281286, 16435223, 27167370). This variant is also known as 2270del4/ins5 and c.2194-2197del4ins5 (p.Ala732fsX737). Algorithms developed to predict the effect of sequence changes on RNA splicing suggest that this variant may disrupt the consensus splice site. For these reasons, this variant has been classified as Pathogenic.

Literature cited by the submitters: PubMed 10923046; PubMed 16281286; PubMed 16435223; PubMed 27167370.